The following is an entry in ClinVar:

ClinVar aggregate classification (germline): Pathogenic/Likely pathogenic. Review status: criteria provided, multiple submitters, no conflicts (2 of 4 stars). 4 submissions from 4 submitters: Pathogenic (1); Likely pathogenic (3). Last evaluated 2025-08-08.

Conditions:
3-methylcrotonyl-CoA carboxylase 2 deficiency. Also called: METHYLCROTONYLGLYCINURIA, TYPE II; 3 alpha methylcrotonyl-CoA carboxylase 2 deficiency; 3 alpha methylcrotonylglycinuria 2; MCC 2 deficiency; Methylcrotonylglycinuria type 2. Identifiers: Orphanet 6, MedGen C1859499, MONDO:0008862, OMIM 210210.
MCCC2-related disorder. Also called: MCCC2-related condition.

Allele frequency attached by ClinVar (database versions not stated): gnomAD exomes below 0.00001; ExAC 0.00001.
gnomAD v4.1: 4 of 1,613,054 alleles (0.00025%); highest among the groups gnomAD compares: South Asian, 0.0011%; no homozygotes.

Submissions (4):

Labcorp Genetics (formerly Invitae), Labcorp
Classification: Pathogenic for 3-methylcrotonyl-CoA carboxylase 2 deficiency. Last evaluated: 2025-08-08. Review status: criteria provided, single submitter. Criteria: Invitae Variant Classification Sherloc (09022015). Collection method: clinical testing. Allele origin: germline.
Comment: This sequence change creates a premature translational stop signal (p.Trp527*) in the MCCC2 gene. While this is not anticipated to result in nonsense mediated decay, it is expected to disrupt the last 37 amino acid(s) of the MCCC2 protein. This variant is present in population databases (rs761700756, gnomAD 0.006%). This variant has not been reported in the literature in individuals affected with MCCC2-related conditions. ClinVar contains an entry for this variant (Variation ID: 3241900). This variant disrupts a region of the MCCC2 protein in which other variant(s) (p.Gly559Asp) have been determined to be pathogenic (PMID: 27033733; internal data). This suggests that this is a clinically significant region of the protein, and that variants that disrupt it are likely to be disease-causing. For these reasons, this variant has been classified as Pathogenic.

First Genomix Gene Laboratory, Genetic Diagnostics Department
Classification: Likely pathogenic for 3-methylcrotonyl-CoA carboxylase 2 deficiency. Last evaluated: 2025-06-20. Review status: criteria provided, single submitter. Criteria: ACMG Guidelines, 2015. Collection method: clinical testing. Allele origin: germline. Inheritance: Autosomal recessive inheritance. Affected: no. Observed: 1 variant allele.

Baylor Genetics
Classification: Likely pathogenic for 3-methylcrotonyl-CoA carboxylase 2 deficiency. Last evaluated: 2024-02-19. Review status: criteria provided, single submitter. Criteria: ACMG Guidelines, 2015. Collection method: clinical testing. Allele origin: unknown.

Blueprint Genetics
Classification: Likely pathogenic for MCCC2-related disorders. Last evaluated: 2023-04-06. Review status: criteria provided, single submitter. Criteria: ACMG Guidelines, 2015. Collection method: clinical testing. Allele origin: germline. Affected: yes. Observed: 2 variant alleles.

Literature cited by the submitters: PubMed 27033733 (cited by Labcorp Genetics (formerly Invitae), Labcorp).

NM_022132.5(MCCC2):c.1580G>A (p.Trp527Ter)

Gene: MCCC2 (methylcrotonyl-CoA carboxylase subunit 2; plus strand). Cytogenetic location: 5q13.2.
Variant type: single nucleotide variant.
Coding change: c.1580G>A on transcript NM_022132.5 (MANE Select); coding-DNA position 1580, G replaced by A.
Protein change: p.Trp527Ter; replaces tryptophan 527 with a stop codon.
Molecular consequence: nonsense.
Genome position (GRCh38, 1-based): chr5:71,656,748, G>A. VCF-style: chr5-71656748-G-A. GRCh37 (hg19) VCF-style: chr5-70952575-G-A.
Other names: c.1466G>A, p.Trp489Ter (NM_001363147.1); short protein forms W489*, W527*.
Identifiers: ClinVar variation 3241900 (VCV003241900.4), dbSNP rs761700756.